The following is an entry in ClinVar:

NM_004100.5(EYA4):c.1330C>A (p.Gln444Lys)

Genes: EYA4 (EYA transcriptional coactivator and phosphatase 4; plus strand), TARID (TCF21 antisense RNA inducing promoter demethylation; minus strand). Cytogenetic location: 6q23.2.
Variant type: single nucleotide variant.
Coding change: c.1330C>A on transcript NM_004100.5 (MANE Select); coding-DNA position 1330, C replaced by A.
Protein change: p.Gln444Lys; replaces glutamine 444 with lysine.
Molecular consequence: missense variant.
Genome position (GRCh38, 1-based): chr6:133,512,769, C>A. VCF-style: chr6-133512769-C-A. GRCh37 (hg19) VCF-style: chr6-133833907-C-A.
Other names: p.Gln444Lys; c.1168C>A, p.Gln390Lys (NM_001301012.2); c.1348C>A, p.Gln450Lys (NM_001301013.2); c.1261C>A, p.Gln421Lys (NM_001370458.1, NM_172103.4); c.1186C>A, p.Gln396Lys (NM_001370459.1); c.1330C>A, p.Gln444Lys (NM_172105.4); short protein forms Q421K, Q450K, Q390K, Q396K, Q444K.
Identifiers: ClinVar variation 2131935 (VCV002131935.5), dbSNP rs2535336550, ClinGen allele CA365714766.

ClinVar aggregate classification (germline): Uncertain significance. Review status: criteria provided, multiple submitters, no conflicts (2 of 4 stars). 2 submissions from 2 submitters: Uncertain significance (2). Last evaluated 2024-08-09.

Conditions:
Dilated cardiomyopathy 1J (CMD1J). Also called: CARDIOMYOPATHY, DILATED, WITH SENSORINEURAL HEARING LOSS, AUTOSOMAL DOMINANT. Identifiers: Orphanet 217622, MedGen C1854368, MONDO:0011541, OMIM 605362.

Allele frequency attached by ClinVar (database versions not stated): gnomAD exomes 0.00001.
gnomAD v4.1: 12 of 1,613,068 alleles (0.00074%); highest among the groups gnomAD compares: Non-Finnish European, 0.001%; no homozygotes.

Submissions (2):

Mayo Clinic Laboratories, Mayo Clinic
Classification: Uncertain significance. Last evaluated: 2024-08-09. Review status: criteria provided, single submitter. Criteria: ACMG Guidelines, 2015. Collection method: clinical testing. Allele origin: germline. Observed: 1 variant allele.
Comment: PP3, PM2_moderate

Labcorp Genetics (formerly Invitae), Labcorp
Classification: Uncertain significance for Dilated cardiomyopathy 1J. Last evaluated: 2022-05-12. Review status: criteria provided, single submitter. Criteria: Invitae Variant Classification Sherloc (09022015). Collection method: clinical testing. Allele origin: germline.
Comment: This sequence change replaces glutamine, which is neutral and polar, with lysine, which is basic and polar, at codon 444 of the EYA4 protein (p.Gln444Lys). In summary, the available evidence is currently insufficient to determine the role of this variant in disease. Therefore, it has been classified as a Variant of Uncertain Significance. Algorithms developed to predict the effect of missense changes on protein structure and function (SIFT, PolyPhen-2, Align-GVGD) all suggest that this variant is likely to be tolerated. This variant has not been reported in the literature in individuals affected with EYA4-related conditions. This variant is not present in population databases (gnomAD no frequency).